The following is an entry in ClinVar:

NM_018344.6(SLC29A3):c.872T>C (p.Ile291Thr)

Gene: SLC29A3 (solute carrier family 29 member 3; plus strand). Cytogenetic location: 10q22.1.
Variant type: single nucleotide variant.
Coding change: c.872T>C on transcript NM_018344.6 (MANE Select); coding-DNA position 872, T replaced by C.
Protein change: p.Ile291Thr; replaces isoleucine 291 with threonine.
Molecular consequence: missense variant. On other transcripts: 3 prime UTR variant (1), non-coding transcript variant (2).
Genome position (GRCh38, 1-based): chr10:71,362,052, T>C. VCF-style: chr10-71362052-T-C. GRCh37 (hg19) VCF-style: chr10-73121809-T-C.
Other names: c.*101T>C (NM_001174098.2); c.638T>C, p.Ile213Thr (NM_001363518.2); short protein forms I213T, I291T.
Identifiers: ClinVar variation 859278 (VCV000859278.9), dbSNP rs763608414, ClinGen allele CA5543073.

ClinVar aggregate classification (germline): Uncertain significance (1 of 4 stars; one submission).

Conditions:
H syndrome. Also called: Asrar Facharzt Haque syndrome; HISTIOCYTOSIS AND LYMPHADENOPATHY WITH OR WITHOUT CUTANEOUS, CARDIAC, AND/OR ENDOCRINE FEATURES, JOINT CONTRACTURES, AND/OR DEAFNESS; HYPERPIGMENTATION, CUTANEOUS, WITH HYPERTRICHOSIS, HEPATOSPLENOMEGALY, HEART ANOMALIES, AND HYPOGONADISM WITH OR WITHOUT HEARING LOSS; PIGMENTED HYPERTRICHOSIS WITH INSULIN-DEPENDENT DIABETES MELLITUS; ROSAI-DORFMAN DISEASE, FAMILIAL; SINUS HISTIOCYTOSIS AND MASSIVE LYMPHADENOPATHY. Identifiers: Orphanet 168569, MedGen C1864445, MONDO:0011273, OMIM 602782.

Allele frequency attached by ClinVar (database versions not stated): ExAC 0.00001; gnomAD 0.00001; gnomAD exomes 0.00001.
gnomAD v4.1: 14 of 1,613,990 alleles (0.00087%); highest among the groups gnomAD compares: African/African-American, 0.0013%; no homozygotes.

Submission:

Labcorp Genetics (formerly Invitae), Labcorp
Classification: Uncertain significance for H syndrome. Last evaluated: 2025-07-07. Review status: criteria provided, single submitter. Criteria: Invitae Variant Classification Sherloc (09022015). Collection method: clinical testing. Allele origin: germline.
Comment: This sequence change replaces isoleucine, which is neutral and non-polar, with threonine, which is neutral and polar, at codon 291 of the SLC29A3 protein (p.Ile291Thr). This variant is present in population databases (rs763608414, gnomAD 0.008%). This variant has not been reported in the literature in individuals affected with SLC29A3-related conditions. ClinVar contains an entry for this variant (Variation ID: 859278). Invitae Evidence Modeling of protein sequence and biophysical properties (such as structural, functional, and spatial information, amino acid conservation, physicochemical variation, residue mobility, and thermodynamic stability) indicates that this missense variant is not expected to disrupt SLC29A3 protein function with a negative predictive value of 95%. In summary, the available evidence is currently insufficient to determine the role of this variant in disease. Therefore, it has been classified as a Variant of Uncertain Significance.